The following is an entry in ClinVar:

NM_002979.5(SCP2):c.296C>T (p.Thr99Ile)

Gene: SCP2 (sterol carrier protein 2; plus strand). Cytogenetic location: 1p32.3.
Variant type: single nucleotide variant.
Coding change: c.296C>T on transcript NM_002979.5 (MANE Select); coding-DNA position 296, C replaced by T.
Protein change: p.Thr99Ile; replaces threonine 99 with isoleucine.
Molecular consequence: missense variant. On other transcripts: intron variant (2).
Genome position (GRCh38, 1-based): chr1:52,950,851, C>T. VCF-style: chr1-52950851-C-T. GRCh37 (hg19) VCF-style: chr1-53416523-C-T.
Other names: c.224C>T, p.Thr75Ile (NM_001193599.2); c.53C>T, p.Thr18Ile (NM_001193617.2); c.296C>T, p.Thr99Ile (NM_001330587.2); c.199+2771C>T (NM_001193600.2, NM_001007098.3); short protein forms T99I, T18I, T75I.
Identifiers: ClinVar variation 1996617 (VCV001996617.3), dbSNP rs2150125848, ClinGen allele CA340386966.

ClinVar aggregate classification (germline): Uncertain significance (1 of 4 stars; one submission).

Allele frequency attached by ClinVar (database versions not stated): gnomAD exomes below 0.00001.
gnomAD v4.1: 2 of 1,614,090 alleles (0.00012%); highest among the groups gnomAD compares: Non-Finnish European, 0.00017%; no homozygotes.

Submission:

Labcorp Genetics (formerly Invitae), Labcorp
Classification: Uncertain significance. Last evaluated: 2024-08-30. Review status: criteria provided, single submitter. Criteria: Invitae Variant Classification Sherloc (09022015). Collection method: clinical testing. Allele origin: germline.
Comment: This sequence change replaces threonine, which is neutral and polar, with isoleucine, which is neutral and non-polar, at codon 99 of the SCP2 protein (p.Thr99Ile). This variant is not present in population databases (gnomAD no frequency). This variant has not been reported in the literature in individuals affected with SCP2-related conditions. ClinVar contains an entry for this variant (Variation ID: 1996617). An algorithm developed to predict the effect of missense changes on protein structure and function (PolyPhen-2) suggests that this variant is likely to be disruptive. In summary, the available evidence is currently insufficient to determine the role of this variant in disease. Therefore, it has been classified as a Variant of Uncertain Significance.